The following is an entry in ClinVar:

NM_016169.4(SUFU):c.1424_1430del (p.Pro475fs)

Gene: SUFU (SUFU negative regulator of hedgehog signaling; plus strand). Cytogenetic location: 10q24.32.
Variant type: Deletion.
Coding change: c.1424_1430del on transcript NM_016169.4 (MANE Select); coding-DNA positions 1424 to 1430, 7 bases deleted (CTGACGT; older notation c.1424_1430delCTGACGT).
Protein change: p.Pro475fs; shifts the reading frame from proline 475.
Molecular consequence: frameshift variant.
Genome position (GRCh38, 1-based): chr10:102,630,124-102,630,130, CTGACGT deleted. VCF-style (leftmost placement, unchanged base first): chr10-102630123-CCTGACGT-C. GRCh37 (hg19) VCF-style: chr10-104389880-CCTGACGT-C.
Other names: short protein forms P475fs.
Identifiers: ClinVar variation 4530299 (VCV004530299.1).
Genomic context (GRCh38, chr10:102,630,123, plus strand): 5'-CAGTTCAAACTTCCCAAAGAGTACAGCTGGCCTGAAAAGAAGCTGAAGGTCTCCATCCTG[CCTGACGT>C]GGTGTTCGACAGTCCGCTACACTAGCCTGGGCTGGGCCCTGCAGTGGCCAGCAGGGAGCC-3'

ClinVar aggregate classification (somatic clinical impact): Tier II - Potential (1 of 4 stars; one submission).

Conditions:
Rhabdomyosarcoma. Also called: Rhabdomyosarcoma (disease). Identifiers: Orphanet 780, MedGen C0035412, MeSH D012208, MONDO:0005212, HP:0002859.

Submission:

Institute for Genomic Medicine (IGM) Clinical Laboratory, Nationwide Children's Hospital
Classification: Tier II - Potential for Rhabdomyosarcoma. Assertion type: diagnostic. Clinical significance: supports diagnosis. Last evaluated: 2025-04-30. Review status: criteria provided, single submitter. Criteria: AMP/ASCO/CAP Guidelines, 2017. Collection method: clinical testing. Allele origin: somatic. Affected: yes.
Comment: Variant has Tier II (potential) clinical significance as a diagnostic inclusion criterion in rhabdomyosarcoma, based on the following evidence: 1) Assists in diagnosis alone or along with other biomarkers based on small studies or few case reports (Evidence Level D; PMIDs: 16294371, 29461635).

Literature cited by the submitters: PubMed 16294371; PubMed 29461635.